The following is an entry in ClinVar:

ClinVar aggregate classification (germline): Uncertain significance. Review status: criteria provided, multiple submitters, no conflicts (2 of 4 stars). 2 submissions from 2 submitters: Uncertain significance (2). Last evaluated 2025-06-17.

Allele frequency attached by ClinVar (database versions not stated): gnomAD exomes 0.00001.
gnomAD v4.1: 9 of 1,518,144 alleles (0.00059%); highest among the groups gnomAD compares: Admixed American, 0.0025%; no homozygotes.

Submissions (2):

Ambry Genetics
Classification: Uncertain significance. Last evaluated: 2025-06-17. Review status: criteria provided, single submitter. Criteria: Ambry Variant Classification Scheme 2023. Collection method: clinical testing. Allele origin: germline.

Labcorp Genetics (formerly Invitae), Labcorp
Classification: Uncertain significance. Last evaluated: 2022-03-14. Review status: criteria provided, single submitter. Criteria: Invitae Variant Classification Sherloc (09022015). Collection method: clinical testing. Allele origin: germline.
Comment: This variant has not been reported in the literature in individuals affected with CACNA1B-related conditions. The frequency data for this variant in the population databases is considered unreliable, as metrics indicate poor data quality at this position in the gnomAD database. This sequence change replaces arginine, which is basic and polar, with glutamine, which is neutral and polar, at codon 2102 of the CACNA1B protein (p.Arg2102Gln). In summary, the available evidence is currently insufficient to determine the role of this variant in disease. Therefore, it has been classified as a Variant of Uncertain Significance. Advanced modeling of protein sequence and biophysical properties (such as structural, functional, and spatial information, amino acid conservation, physicochemical variation, residue mobility, and thermodynamic stability) performed at Invitae indicates that this missense variant is not expected to disrupt CACNA1B protein function.

NM_000718.4(CACNA1B):c.6305G>A (p.Arg2102Gln)

Gene: CACNA1B (calcium voltage-gated channel subunit alpha1 B; plus strand). Cytogenetic location: 9q34.3.
Variant type: single nucleotide variant.
Coding change: c.6305G>A on transcript NM_000718.4 (MANE Select); coding-DNA position 6305, G replaced by A.
Protein change: p.Arg2102Gln; replaces arginine 2102 with glutamine.
Molecular consequence: missense variant.
Genome position (GRCh38, 1-based): chr9:138,120,697, G>A. VCF-style: chr9-138120697-G-A. GRCh37 (hg19) VCF-style: chr9-141015149-G-A.
Other names: c.6305G>A, p.Arg2102Gln (NM_001243812.2); c.6305G>A (NM_000718.3); short protein forms R2102Q.
Identifiers: ClinVar variation 1466549 (VCV001466549.5), dbSNP rs754441803, ClinGen allele CA375822878.